The following is an entry in ClinVar:

ClinVar aggregate classification (germline): Uncertain significance. Review status: criteria provided, multiple submitters, no conflicts (2 of 4 stars). 2 submissions from 2 submitters: Uncertain significance (2). Last evaluated 2022-06-11.

Conditions:
Cohen syndrome (COH1). Also called: Cutis verticis gyrata, retinitis pigmentosa, and sensorineural deafness; PEPPER SYNDROME. Identifiers: Orphanet 193, MedGen C0265223, MONDO:0008999, OMIM 216550.

Allele frequency attached by ClinVar (database versions not stated): gnomAD 0.00001.
gnomAD v4.1: 1 of 1,216,276 alleles (0.000082%); highest among the groups gnomAD compares: East Asian, 0.0033%; no homozygotes.

Submissions (2):

Labcorp Genetics (formerly Invitae), Labcorp
Classification: Uncertain significance for Cohen syndrome. Last evaluated: 2022-06-11. Review status: criteria provided, single submitter. Criteria: Invitae Variant Classification Sherloc (09022015). Collection method: clinical testing. Allele origin: germline.
Comment: This sequence change replaces serine, which is neutral and polar, with asparagine, which is neutral and polar, at codon 3142 of the VPS13B protein (p.Ser3142Asn). This variant is not present in population databases (gnomAD no frequency). This variant has not been reported in the literature in individuals affected with VPS13B-related conditions. Algorithms developed to predict the effect of missense changes on protein structure and function are either unavailable or do not agree on the potential impact of this missense change (SIFT: "Not Available"; PolyPhen-2: "Benign"; Align-GVGD: "Not Available"). In summary, the available evidence is currently insufficient to determine the role of this variant in disease. Therefore, it has been classified as a Variant of Uncertain Significance.

GeneDx
Classification: Uncertain significance. Last evaluated: 2022-05-26. Review status: criteria provided, single submitter. Criteria: GeneDx Variant Classification Process June 2021. Collection method: clinical testing. Allele origin: germline. Affected: yes.
Comment: Not observed at significant frequency in large population cohorts (gnomAD); In silico analysis supports that this missense variant does not alter protein structure/function; Has not been previously published as pathogenic or benign to our knowledge

NM_152564.5(VPS13B):c.9350G>A (p.Ser3117Asn)

Gene: VPS13B (vacuolar protein sorting 13 homolog B; plus strand). Cytogenetic location: 8q22.2.
Variant type: single nucleotide variant.
Coding change: c.9350G>A on transcript NM_152564.5 (MANE Select); coding-DNA position 9350, G replaced by A.
Protein change: p.Ser3117Asn; replaces serine 3117 with asparagine.
Molecular consequence: missense variant.
Genome position (GRCh38, 1-based): chr8:99,832,388, G>A. VCF-style: chr8-99832388-G-A. GRCh37 (hg19) VCF-style: chr8-100844616-G-A.
Other names: c.9425G>A, p.Ser3142Asn (NM_017890.5); short protein forms S3117N, S3142N.
Identifiers: ClinVar variation 1800832 (VCV001800832.3), dbSNP rs1236179891, ClinGen allele CA371781111.